The following is an entry in ClinVar:

NM_213653.4(HJV):c.728T>C (p.Leu243Pro)

Gene: HJV (hemojuvelin BMP co-receptor; minus strand). Cytogenetic location: 1q21.1.
Variant type: single nucleotide variant.
Coding change: c.728T>C on transcript NM_213653.4 (MANE Select); coding-DNA position 728, T replaced by C.
Protein change: p.Leu243Pro; replaces leucine 243 with proline.
Molecular consequence: missense variant.
Genome position (GRCh38, 1-based): chr1:146,018,630, A>G on the plus strand (T>C on the coding strand, the complement: HJV is on the minus strand). VCF-style: chr1-146018630-A-G. GRCh37 (hg19) VCF-style: chr1-145416383-T-C.
Other names: c.50T>C, p.Leu17Pro (NM_001316767.2, NM_202004.4, NM_213652.4); c.728T>C, p.Leu243Pro (NM_001379352.1); c.389T>C, p.Leu130Pro (NM_145277.5); short protein forms L130P, L17P, L243P.
Identifiers: ClinVar variation 956740 (VCV000956740.8), dbSNP rs1652499932, ClinGen allele CA342137502.

ClinVar aggregate classification (germline): Uncertain significance. Review status: criteria provided, single submitter (1 of 4 stars). 2 submissions from 2 submitters: Uncertain significance (1). 1 of the submissions does not count toward it. Last evaluated 2021-09-01.

Conditions:
Hemochromatosis type 2A (HFE2A). Also called: HJV (HFE2)-Related Juvenile Hemochromatosis; Adult-Onset Hemochromatosis. Identifiers: Orphanet 79230, MedGen C1865614, MONDO:0011216, OMIM 602390.

Allele frequency attached by ClinVar (database versions not stated): TOPMed below 0.00001.

Submissions (2):

Labcorp Genetics (formerly Invitae), Labcorp
Classification: Uncertain significance. Last evaluated: 2021-09-01. Review status: criteria provided, single submitter. Criteria: Invitae Variant Classification Sherloc (09022015). Collection method: clinical testing. Allele origin: germline.
Comment: This sequence change replaces leucine with proline at codon 243 of the HJV protein (p.Leu243Pro). The leucine residue is highly conserved and there is a moderate physicochemical difference between leucine and proline. This variant is not present in population databases (ExAC no frequency). This missense change has been observed in individual(s) with hemochromatosis (Invitae). Algorithms developed to predict the effect of missense changes on protein structure and function (SIFT, PolyPhen-2, Align-GVGD) all suggest that this variant is likely to be disruptive. In summary, the available evidence is currently insufficient to determine the role of this variant in disease. Therefore, it has been classified as a Variant of Uncertain Significance.

Natera, Inc.
Classification: Uncertain significance for Hemochromatosis type 2A. Last evaluated: 2025-04-18. Review status: no assertion criteria provided. Collection method: clinical testing. Allele origin: germline. Not counted in ClinVar's aggregate classification.